The following is an entry in ClinVar:

NM_015909.4(NBAS):c.193C>T (p.Gln65Ter)

Gene: NBAS (NBAS subunit of NRZ tethering complex; minus strand). Cytogenetic location: 2p24.3.
Variant type: single nucleotide variant.
Coding change: c.193C>T on transcript NM_015909.4 (MANE Select); coding-DNA position 193, C replaced by T.
Protein change: p.Gln65Ter; replaces glutamine 65 with a stop codon.
Molecular consequence: nonsense. On other transcripts: non-coding transcript variant (1).
Genome position (GRCh38, 1-based): chr2:15,556,799, G>A on the plus strand (C>T on the coding strand, the complement: NBAS is on the minus strand). VCF-style: chr2-15556799-G-A. GRCh37 (hg19) VCF-style: chr2-15696923-G-A.
Other names: short protein forms Q65*.
Identifiers: ClinVar variation 2026587 (VCV002026587.4), dbSNP rs2528035439, ClinGen allele CA345893959.
Genomic context (GRCh38, chr2:15,556,799, plus strand): 5'-ATATTTGATGTTCATACTGTTTCTCTGAAGAACCGAAGACTCACCTGTACCAGATGTATT[G>A]GCGTAAAAATAATAAACGATCTGTAATCAAAAGAAATGGCAAAGCCAAATATAAATCAGC-3'

ClinVar aggregate classification (germline): Pathogenic (1 of 4 stars; one submission).

Submission:

Labcorp Genetics (formerly Invitae), Labcorp
Classification: Pathogenic. Last evaluated: 2022-08-30. Review status: criteria provided, single submitter. Criteria: Invitae Variant Classification Sherloc (09022015). Collection method: clinical testing. Allele origin: germline.
Comment: This variant is not present in population databases (gnomAD no frequency). This variant has not been reported in the literature in individuals affected with NBAS-related conditions. For these reasons, this variant has been classified as Pathogenic. This sequence change creates a premature translational stop signal (p.Gln65*) in the NBAS gene. It is expected to result in an absent or disrupted protein product. Loss-of-function variants in NBAS are known to be pathogenic (PMID: 26073778, 26541327, 27789416, 28031453).

Literature cited by the submitters: PubMed 26073778; PubMed 26541327; PubMed 27789416; PubMed 28031453.